The following is an entry in ClinVar:

ClinVar aggregate classification (germline): Uncertain significance (0 of 4 stars; one submission).

Conditions:
KIAA0355-related condition.

Submission:

PreventionGenetics, part of Exact Sciences
Classification: Uncertain significance for KIAA0355-related condition. Last evaluated: 2024-06-14. Review status: no assertion criteria provided. Collection method: clinical testing. Allele origin: germline.
Comment: The KIAA0355 c.1357A>G variant is predicted to result in the amino acid substitution p.Thr453Ala. To our knowledge, this variant has not been reported in the literature or in gnomAD, indicating this variant is rare. At this time, the clinical significance of this variant is uncertain due to the absence of conclusive functional and genetic evidence.

NM_014686.5(GARRE1):c.1357A>G (p.Thr453Ala)

Gene: GARRE1 (granule associated Rac and RHOG effector 1; plus strand). Cytogenetic location: 19q13.11.
Variant type: single nucleotide variant.
Coding change: c.1357A>G on transcript NM_014686.5 (MANE Select); coding-DNA position 1357, A replaced by G.
Protein change: p.Thr453Ala; replaces threonine 453 with alanine.
Molecular consequence: missense variant.
Genome position (GRCh38, 1-based): chr19:34,333,797, A>G. VCF-style: chr19-34333797-A-G. GRCh37 (hg19) VCF-style: chr19-34824702-A-G.
Other names: short protein forms T453A.
Identifiers: ClinVar variation 3344229 (VCV003344229.1).